The following is an entry in ClinVar:

NM_000388.4(CASR):c.2290A>C (p.Thr764Pro)

Gene: CASR (calcium sensing receptor; plus strand). Cytogenetic location: 3q21.1.
Variant type: single nucleotide variant.
Coding change: c.2290A>C on transcript NM_000388.4 (MANE Select); coding-DNA position 2290, A replaced by C.
Protein change: p.Thr764Pro; replaces threonine 764 with proline.
Molecular consequence: missense variant.
Genome position (GRCh38, 1-based): chr3:122,284,244, A>C. VCF-style: chr3-122284244-A-C. GRCh37 (hg19) VCF-style: chr3-122003091-A-C.
Other names: c.2320A>C, p.Thr774Pro (NM_001178065.2); short protein forms T764P, T774P.
Identifiers: ClinVar variation 1023499 (VCV001023499.12), dbSNP rs2074935297, ClinGen allele CA354159342.

ClinVar aggregate classification (germline): Uncertain significance. Review status: criteria provided, multiple submitters, no conflicts (2 of 4 stars). 3 submissions from 3 submitters: Uncertain significance (3). Last evaluated 2024-08-15.

Conditions:
Familial hyperparathyroidism or Hypocalciuric hypercalcaemia.
Autosomal dominant hypocalcemia 1 (HYPOC1). Also called: HYPOCALCEMIA, FAMILIAL. Identifiers: MedGen C3715128, MONDO:0011013, OMIM 601198.
Familial hypocalciuric hypercalcemia (FHH). Also called: Familial benign hypercalcemia. Identifiers: Orphanet 405, MedGen C1809471, MONDO:0018458.

Submissions (3):

Cambridge Genomics Laboratory, East Genomic Laboratory Hub, NHS Genomic Medicine Service
Classification: Uncertain significance for Familial hyperparathyroidism or Hypocalciuric hypercalcaemia. Last evaluated: 2024-08-15. Review status: criteria provided, single submitter. Criteria: ACGS Best Practice Guidelines for Variant Classification in Rare Disease 2020. Collection method: clinical testing. Allele origin: germline. Affected: yes.
Comment: PM2,PP2,PP4

Labcorp Genetics (formerly Invitae), Labcorp
Classification: Uncertain significance for Familial hypocalciuric hypercalcemia; Autosomal dominant hypocalcemia 1. Last evaluated: 2022-10-17. Review status: criteria provided, single submitter. Criteria: Invitae Variant Classification Sherloc (09022015). Collection method: clinical testing. Allele origin: germline.
Comment: This sequence change replaces threonine, which is neutral and polar, with proline, which is neutral and non-polar, at codon 764 of the CASR protein (p.Thr764Pro). This variant is not present in population databases (gnomAD no frequency). This variant has not been reported in the literature in individuals affected with CASR-related conditions. ClinVar contains an entry for this variant (Variation ID: 1023499). Algorithms developed to predict the effect of missense changes on protein structure and function (SIFT, PolyPhen-2, Align-GVGD) all suggest that this variant is likely to be disruptive. In summary, the available evidence is currently insufficient to determine the role of this variant in disease. Therefore, it has been classified as a Variant of Uncertain Significance.

GeneDx
Classification: Uncertain significance. Last evaluated: 2021-11-24. Review status: criteria provided, single submitter. Criteria: GeneDx Variant Classification Process June 2021. Collection method: clinical testing. Allele origin: germline. Affected: yes.
Comment: Not observed at significant frequency in large population cohorts (Lek et al., 2016); In silico analysis supports that this missense variant does not alter protein structure/function; Has not been previously published as pathogenic or benign to our knowledge